The following is an entry in ClinVar:

NM_000784.4(CYP27A1):c.305del (p.Pro102fs)

Gene: CYP27A1 (cytochrome P450 family 27 subfamily A member 1; plus strand). Cytogenetic location: 2q35.
Variant type: Deletion.
Coding change: c.305del on transcript NM_000784.4 (MANE Select); coding-DNA position 305, one base deleted (C; older notation c.305delC).
Protein change: p.Pro102fs; shifts the reading frame from proline 102.
Molecular consequence: frameshift variant.
Genome position (GRCh38, 1-based): chr2:218,809,626, C deleted; the last of 2 consecutive C bases (chr2:218,809,625-218,809,626); deleting either gives the same sequence. VCF-style (leftmost placement, unchanged base first): chr2-218809624-GC-G. GRCh37 (hg19) VCF-style: chr2-219674347-GC-G.
Other names: c.206delC; short protein forms P102fs.
Identifiers: ClinVar variation 65856 (VCV000065856.3), dbSNP rs587778790, ClinGen allele CA345188.

ClinVar aggregate classification (germline): Pathogenic (0 of 4 stars; one submission).

Conditions:
Cholestanol storage disease (CTX). Also called: CEREBRAL CHOLESTERINOSIS; Cerebrotendinous Xanthomatosis; CTX: Cerebrotendinous xanthomatosis. Identifiers: Orphanet 909, MedGen C0238052, MONDO:0008948, OMIM 213700.

Submission:

GeneReviews
Classification: Pathogenic for Cerebrotendinous Xanthomatosis. Last evaluated: 2013-08-01. Review status: no assertion criteria provided. Collection method: curation. Allele origin: unknown.
ClinVar note: Converted during submission from pathologic to Pathogenic.